The following is an entry in ClinVar:

ClinVar aggregate classification (germline): Uncertain significance. Review status: criteria provided, multiple submitters, no conflicts (2 of 4 stars). 2 submissions from 2 submitters: Uncertain significance (2). Last evaluated 2025-04-23.

Conditions:
Duchenne muscular dystrophy (DMD). Also called: Duchenne Muscular Dystrophy (DMD); MUSCULAR DYSTROPHY, PSEUDOHYPERTROPHIC PROGRESSIVE, DUCHENNE TYPE. Identifiers: Orphanet 98896, MedGen C0013264, MONDO:0010679, OMIM 310200.

Submissions (2):

Labcorp Genetics (formerly Invitae), Labcorp
Classification: Uncertain significance for Duchenne muscular dystrophy. Last evaluated: 2025-04-23. Review status: criteria provided, single submitter. Criteria: Invitae Variant Classification Sherloc (09022015). Collection method: clinical testing. Allele origin: germline.
Comment: This sequence change replaces alanine, which is neutral and non-polar, with threonine, which is neutral and polar, at codon 3278 of the DMD protein (p.Ala3278Thr). This variant is not present in population databases (gnomAD no frequency). This variant has not been reported in the literature in individuals affected with DMD-related conditions. ClinVar contains an entry for this variant (Variation ID: 289492). Invitae Evidence Modeling of protein sequence and biophysical properties (such as structural, functional, and spatial information, amino acid conservation, physicochemical variation, residue mobility, and thermodynamic stability) indicates that this missense variant is not expected to disrupt DMD protein function with a negative predictive value of 95%. In summary, the available evidence is currently insufficient to determine the role of this variant in disease. Therefore, it has been classified as a Variant of Uncertain Significance.

Eurofins Ntd Llc (ga)
Classification: Uncertain significance. Last evaluated: 2016-07-25. Review status: criteria provided, single submitter. Criteria: EGL Classification Definitions 2015. Collection method: clinical testing. Allele origin: germline. Observed: 1 variant allele, 1 heterozygote.

NM_004006.3(DMD):c.9832G>A (p.Ala3278Thr)

Gene: DMD (dystrophin; minus strand). Cytogenetic location: Xp21.2.
Variant type: single nucleotide variant.
Coding change: c.9832G>A on transcript NM_004006.3 (MANE Select); coding-DNA position 9832, G replaced by A.
Protein change: p.Ala3278Thr; replaces alanine 3278 with threonine.
Molecular consequence: missense variant.
Genome position (GRCh38, 1-based): chrX:31,182,880, C>T on the plus strand (G>A on the coding strand, the complement: DMD is on the minus strand). VCF-style: chrX-31182880-C-T. GRCh37 (hg19) VCF-style: chrX-31200997-C-T.
Other names: c.9808G>A, p.Ala3270Thr (NM_000109.4); c.9820G>A, p.Ala3274Thr (NM_004009.3); c.9463G>A, p.Ala3155Thr (NM_004010.3); c.5809G>A, p.Ala1937Thr (NM_004011.4); c.5800G>A, p.Ala1934Thr (NM_004012.4); c.2452G>A, p.Ala818Thr (NM_004013.3, NM_004020.4, NM_004021.3 and 2 more transcripts); c.1645G>A, p.Ala549Thr (NM_004014.3); c.628G>A, p.Ala210Thr (NM_004015.3, NM_004016.3, NM_004017.3 and 2 more transcripts); short protein forms A3278T, A1937T, A210T, A3155T, A3270T, A3274T, A818T, A1934T.
Identifiers: ClinVar variation 289492 (VCV000289492.6), dbSNP rs886044191, ClinGen allele CA10606462.
Genomic context (GRCh38, chrX:31,182,880, plus strand): 5'-GGACGGGCAGCCACACCATGGACTGGGGTTCCAGTCTCATCCAGTCTAGGAAGAGGGCCG[C>T]TTCGATCTCTGGCTTATTATTAGCCTGCAAAGACAGGAGGGAGAGAGAAGGAGGGCAAAA-3'
Protein context (NP_003997.2, residues 3268-3288): QFANNKPEIE[Ala3278Thr]ALFLDWMRLE